The following is an entry in ClinVar:

ClinVar aggregate classification (germline): Uncertain significance (1 of 4 stars; one submission).

Conditions:
Nemaline myopathy 2 (NEM2). Also called: Nemaline myopathy 2, autosomal recessive. Identifiers: MedGen C1850569, MONDO:0009725, OMIM 256030.

Submission:

Labcorp Genetics (formerly Invitae), Labcorp
Classification: Uncertain significance for Nemaline myopathy 2. Last evaluated: 2022-03-16. Review status: criteria provided, single submitter. Criteria: Invitae Variant Classification Sherloc (09022015). Collection method: clinical testing. Allele origin: germline.
Comment: This sequence change replaces tyrosine, which is neutral and polar, with serine, which is neutral and polar, at codon 1924 of the NEB protein (p.Tyr1924Ser). This variant is not present in population databases (gnomAD no frequency). This variant has not been reported in the literature in individuals affected with NEB-related conditions. Algorithms developed to predict the effect of missense changes on protein structure and function are either unavailable or do not agree on the potential impact of this missense change (SIFT: "Deleterious"; PolyPhen-2: "Not Available"; Align-GVGD: "Class C0"). In summary, the available evidence is currently insufficient to determine the role of this variant in disease. Therefore, it has been classified as a Variant of Uncertain Significance.

NM_001164508.2(NEB):c.5771A>C (p.Tyr1924Ser)

Gene: NEB (nebulin; minus strand). Cytogenetic location: 2q23.3.
Variant type: single nucleotide variant.
Coding change: c.5771A>C on transcript NM_001164508.2 (MANE Select); coding-DNA position 5771, A replaced by C.
Protein change: p.Tyr1924Ser; replaces tyrosine 1924 with serine.
Molecular consequence: missense variant.
Genome position (GRCh38, 1-based): chr2:151,662,334, T>G on the plus strand (A>C on the coding strand, the complement: NEB is on the minus strand). VCF-style: chr2-151662334-T-G. GRCh37 (hg19) VCF-style: chr2-152518848-T-G.
Other names: c.5771A>C, p.Tyr1924Ser (NM_001164507.2, NM_001271208.2, NM_004543.5); short protein forms Y1924S.
Identifiers: ClinVar variation 2112899 (VCV002112899.1), dbSNP rs747326135, ClinGen allele CA348806814.